The following is an entry in ClinVar:

ClinVar aggregate classification (germline): Uncertain significance (1 of 4 stars; one submission).

Conditions:
Mosaic variegated aneuploidy syndrome 2 (MVA2). Identifiers: Orphanet 1052, MedGen C3279843, MONDO:0013582, OMIM 614114.

Submission:

Labcorp Genetics (formerly Invitae), Labcorp
Classification: Uncertain significance for Mosaic variegated aneuploidy syndrome 2. Last evaluated: 2022-09-06. Review status: criteria provided, single submitter. Criteria: Invitae Variant Classification Sherloc (09022015). Collection method: clinical testing. Allele origin: germline.
Comment: This variant has not been reported in the literature in individuals affected with CEP57-related conditions. This sequence change replaces glutamic acid, which is acidic and polar, with lysine, which is basic and polar, at codon 92 of the CEP57 protein (p.Glu92Lys). This variant is not present in population databases (gnomAD no frequency). Algorithms developed to predict the effect of missense changes on protein structure and function are either unavailable or do not agree on the potential impact of this missense change (SIFT: "Tolerated"; PolyPhen-2: "Probably Damaging"; Align-GVGD: "Class C0"). In summary, the available evidence is currently insufficient to determine the role of this variant in disease. Therefore, it has been classified as a Variant of Uncertain Significance.

NM_014679.5(CEP57):c.274G>A (p.Glu92Lys)

Gene: CEP57 (centrosomal protein 57; plus strand). Cytogenetic location: 11q21.
Variant type: single nucleotide variant.
Coding change: c.274G>A on transcript NM_014679.5 (MANE Select); coding-DNA position 274, G replaced by A.
Protein change: p.Glu92Lys; replaces glutamic acid 92 with lysine.
Molecular consequence: missense variant.
Genome position (GRCh38, 1-based): chr11:95,813,003, G>A. VCF-style: chr11-95813003-G-A. GRCh37 (hg19) VCF-style: chr11-95546167-G-A.
Other names: c.247G>A, p.Glu83Lys (NM_001243776.2); c.274G>A, p.Glu92Lys (NM_001243777.2); c.193G>A, p.Glu65Lys (NM_001363604.2); short protein forms E83K, E65K, E92K.
Identifiers: ClinVar variation 2155195 (VCV002155195.4), dbSNP rs2496220540, ClinGen allele CA382420337.